The following is an entry in ClinVar:

NM_004817.4(TJP2):c.469G>T (p.Glu157Ter)

Gene: TJP2 (tight junction protein 2; plus strand). Cytogenetic location: 9q21.11.
Variant type: single nucleotide variant.
Coding change: c.469G>T on transcript NM_004817.4 (MANE Select); coding-DNA position 469, G replaced by T.
Protein change: p.Glu157Ter; replaces glutamic acid 157 with a stop codon.
Molecular consequence: nonsense.
Genome position (GRCh38, 1-based): chr9:69,221,013, G>T. VCF-style: chr9-69221013-G-T. GRCh37 (hg19) VCF-style: chr9-71835929-G-T.
Other names: c.400G>T, p.Glu134Ter (NM_001170414.2, NM_001369870.1, NM_001369871.1); c.481G>T, p.Glu161Ter (NM_001170415.1, NM_001369874.1, NM_001369875.1); c.562G>T, p.Glu188Ter (NM_001170416.2); c.469G>T, p.Glu157Ter (NM_001369872.1, NM_001369873.1, NM_201629.3); short protein forms E188*, E134*, E157*, E161*.
Identifiers: ClinVar variation 4733237 (VCV004733237.1).

ClinVar aggregate classification (germline): Pathogenic (1 of 4 stars; one submission).

Submission:

Labcorp Genetics (formerly Invitae), Labcorp
Classification: Pathogenic. Last evaluated: 2025-12-20. Review status: criteria provided, single submitter. Criteria: Invitae Variant Classification Sherloc (09022015). Collection method: clinical testing. Allele origin: germline.
Comment: This sequence change creates a premature translational stop signal (p.Glu157*) in the TJP2 gene. It is expected to result in an absent or disrupted protein product. Loss-of-function variants in TJP2 are known to be pathogenic (PMID: 24614073, 25921221, 28039895). This variant is not present in population databases (gnomAD no frequency). This variant has not been reported in the literature in individuals affected with TJP2-related conditions. For these reasons, this variant has been classified as Pathogenic.

Literature cited by the submitters: PubMed 24614073; PubMed 25921221; PubMed 28039895.